The following is an entry in ClinVar:

ClinVar aggregate classification (germline): Uncertain significance (1 of 4 stars; one submission).

Submission:

GeneDx
Classification: Uncertain significance. Last evaluated: 2025-10-23. Review status: criteria provided, single submitter. Criteria: GeneDx Variant Classification Process June 2021. Collection method: clinical testing. Allele origin: germline. Affected: yes.
Comment: In silico analysis supports that this missense variant does not alter protein structure/function; Has not been previously published as pathogenic or benign to our knowledge

NM_031407.7(HUWE1):c.5197A>G (p.Lys1733Glu)

Gene: HUWE1 (HECT, UBA and WWE domain containing E3 ubiquitin protein ligase 1; minus strand). Cytogenetic location: Xp11.22.
Variant type: single nucleotide variant.
Coding change: c.5197A>G on transcript NM_031407.7 (MANE Select); coding-DNA position 5197, A replaced by G.
Protein change: p.Lys1733Glu; replaces lysine 1733 with glutamic acid.
Molecular consequence: missense variant.
Genome position (GRCh38, 1-based): chrX:53,583,881, T>C on the plus strand (A>G on the coding strand, the complement: HUWE1 is on the minus strand). VCF-style: chrX-53583881-T-C. GRCh37 (hg19) VCF-style: chrX-53610841-T-C.
Other names: short protein forms K1733E.
Identifiers: ClinVar variation 1710719 (VCV001710719.6), dbSNP rs2525534757, ClinGen allele CA413174373.